The following is an entry in ClinVar:

NM_001166108.2(PALLD):c.2720C>T (p.Pro907Leu)

Genes: CBR4 (carbonyl reductase 4; minus strand), PALLD (palladin, cytoskeletal associated protein; plus strand). Cytogenetic location: 4q32.3.
Variant type: single nucleotide variant.
Coding change: c.2720C>T on transcript NM_001166108.2 (MANE Select); coding-DNA position 2720, C replaced by T.
Protein change: p.Pro907Leu; replaces proline 907 with leucine.
Molecular consequence: missense variant.
Genome position (GRCh38, 1-based): chr4:168,915,897, C>T. VCF-style: chr4-168915897-C-T. GRCh37 (hg19) VCF-style: chr4-169837048-C-T.
Other names: c.1523C>T, p.Pro508Leu (NM_001166109.2); c.1208C>T, p.Pro403Leu (NM_001166110.2); c.548C>T, p.Pro183Leu (NM_001367567.1, NM_001367569.1); c.599C>T, p.Pro200Leu (NM_001367568.1, NM_001367570.1); c.2669C>T, p.Pro890Leu (NM_016081.4); short protein forms P200L, P508L, P890L, P403L, P907L, P183L.
Identifiers: ClinVar variation 4776459 (VCV004776459.1).

ClinVar aggregate classification (germline): Uncertain significance (1 of 4 stars; one submission).

Conditions:
Pancreatic adenocarcinoma. Identifiers: MedGen C0281361, MONDO:0006047, HP:0006725.

Submission:

Labcorp Genetics (formerly Invitae), Labcorp
Classification: Uncertain significance for Pancreatic adenocarcinoma. Last evaluated: 2025-10-03. Review status: criteria provided, single submitter. Criteria: Invitae Variant Classification Sherloc (09022015). Collection method: clinical testing. Allele origin: germline.
Comment: This sequence change replaces proline, which is neutral and non-polar, with leucine, which is neutral and non-polar, at codon 403 of the PALLD protein (p.Pro403Leu). This variant is not present in population databases (gnomAD no frequency). This variant has not been reported in the literature in individuals affected with PALLD-related conditions. An algorithm developed to predict the effect of missense changes on protein structure and function (PolyPhen-2) suggests that this variant is likely to be disruptive. In summary, the available evidence is currently insufficient to determine the role of this variant in disease. Therefore, it has been classified as a Variant of Uncertain Significance.